The following is an entry in ClinVar:

NM_020843.4(SCAPER):c.612-4A>G

Gene: SCAPER (S-phase cyclin A associated protein in the ER; minus strand). Cytogenetic location: 15q24.3.
Variant type: single nucleotide variant.
Coding change: c.612-4A>G on transcript NM_020843.4 (MANE Select); 4 bases into the intron before coding-DNA position 612, A replaced by G.
Molecular consequence: intron variant.
Genome position (GRCh38, 1-based): chr15:76,795,444, T>C on the plus strand (A>G on the coding strand, the complement: SCAPER is on the minus strand). VCF-style: chr15-76795444-T-C. GRCh37 (hg19) VCF-style: chr15-77087785-T-C.
Other names: c.210-4A>G (NM_001353011.2, NM_001353012.2, NM_001353010.2); c.612-4A>G (NM_001353009.2, NM_001353009.1); c.-286-4A>G (NM_001145923.2).
Identifiers: ClinVar variation 1327985 (VCV001327985.5), dbSNP rs11852395, ClinGen allele CA7675141.

ClinVar aggregate classification (germline): Benign. Review status: criteria provided, multiple submitters, no conflicts (2 of 4 stars). 3 submissions from 3 submitters: Benign (2). 1 of the submissions does not count toward it. Last evaluated 2021-11-07.

Conditions:
Intellectual developmental disorder and retinitis pigmentosa; IDDRP. Also called: INTELLECTUAL DEVELOPMENTAL DISORDER AND RETINITIS PIGMENTOSA. Identifiers: MedGen C4748658, MONDO:0032594, OMIM 618195.
SCAPER-related disorder. Also called: SCAPER-related condition.

Allele frequency attached by ClinVar (database versions not stated): ESP Exome Variant Server 0.24007; gnomAD 0.26001 and 0.27275; TOPMed 0.26324; gnomAD exomes 0.31561 and 0.34675; 1000 Genomes Project 30x 0.34275; 1000 Genomes Project 0.35323; ExAC 0.35465.
gnomAD v4.1: 483,917 of 1,552,114 alleles (31%); highest among the groups gnomAD compares: East Asian, 55%; 79,614 homozygotes.

Submissions (3):

Genome-Nilou Lab
Classification: Benign for Intellectual developmental disorder and retinitis pigmentosa; IDDRP. Last evaluated: 2021-11-07. Review status: criteria provided, single submitter. Criteria: ACMG Guidelines, 2015. Collection method: clinical testing. Allele origin: germline. Affected: no.

Breakthrough Genomics
Classification: Benign. Review status: criteria provided, single submitter. Criteria: ACMG Guidelines, 2015. Collection method: not provided. Allele origin: germline. Inheritance: Autosomal recessive inheritance. Affected: yes.

PreventionGenetics, part of Exact Sciences
Classification: Benign for SCAPER-related condition. Last evaluated: 2019-10-17. Review status: no assertion criteria provided. Collection method: clinical testing. Allele origin: germline. Not counted in ClinVar's aggregate classification.
Comment: This variant is classified as benign based on ACMG/AMP sequence variant interpretation guidelines (Richards et al. 2015 PMID: 25741868, with internal and published modifications).